The following is an entry in ClinVar:

ClinVar aggregate classification (germline): Likely benign. Review status: criteria provided, multiple submitters, no conflicts (2 of 4 stars). 2 submissions from 2 submitters: Likely benign (2). Last evaluated 2025-06-09.

Conditions:
Combined oxidative phosphorylation defect type 27. Also called: Combined oxidative phosphorylation deficiency 27. Identifiers: Orphanet 477774, MedGen C5567608, MONDO:0014728, OMIM 616672.

Allele frequency attached by ClinVar (database versions not stated): gnomAD 0.00001; gnomAD exomes 0.00002 and 0.00004; TOPMed 0.00002; ExAC 0.00005.
gnomAD v4.1: 54 of 1,609,742 alleles (0.0034%); highest among the groups gnomAD compares: Middle Eastern, 0.016%; 1 homozygote.

Submissions (2):

Labcorp Genetics (formerly Invitae), Labcorp
Classification: Likely benign for Combined oxidative phosphorylation defect type 27. Last evaluated: 2025-06-09. Review status: criteria provided, single submitter. Criteria: Invitae Variant Classification Sherloc (09022015). Collection method: clinical testing. Allele origin: germline.

GeneDx
Classification: Likely benign. Last evaluated: 2017-07-26. Review status: criteria provided, single submitter. Criteria: GeneDx Variant Classification (06012015). Collection method: clinical testing. Allele origin: germline. Affected: yes.
Comment: This variant is considered likely benign or benign based on one or more of the following criteria: it is a conservative change, it occurs at a poorly conserved position in the protein, it is predicted to be benign by multiple in silico algorithms, and/or has population frequency not consistent with disease.

NM_024537.4(CARS2):c.1473G>A (p.Val491=)

Gene: CARS2 (cysteinyl-tRNA synthetase 2, mitochondrial; minus strand). Cytogenetic location: 13q34.
Variant type: single nucleotide variant.
Coding change: c.1473G>A on transcript NM_024537.4 (MANE Select); coding-DNA position 1473, G replaced by A.
Protein change: p.Val491=; no amino-acid change (valine 491 retained).
Molecular consequence: synonymous variant. On other transcripts: non-coding transcript variant (2).
Genome position (GRCh38, 1-based): chr13:110,642,465, C>T on the plus strand (G>A on the coding strand, the complement: CARS2 is on the minus strand). VCF-style: chr13-110642465-C-T. GRCh37 (hg19) VCF-style: chr13-111294812-C-T.
Other names: c.687G>A, p.Val229= (NM_001352252.2).
Identifiers: ClinVar variation 510737 (VCV000510737.11), dbSNP rs774705663, ClinGen allele CA7051642.
Genomic context (GRCh38, chr13:110,642,465, plus strand): 5'-GGCGTCCCCCGTGGCCTCGGGCATGGCCAGCGCAAACTGCCGGACCTTCTGCCGGAACCG[C>T]ACCAGCTCGTCCACCACACCATGCAAGGTAGCCTCGCTGCCGTCTCCTGAAACGTACTGA-3'
Protein context (NP_078813.1, residues 481-501): ATLHGVVDEL[Val491=]RFRQKVRQFA